The following is an entry in ClinVar:

ClinVar aggregate classification (germline): Uncertain significance (1 of 4 stars; one submission).

Allele frequency attached by ClinVar (database versions not stated): gnomAD exomes 0.00001; ExAC 0.00002; gnomAD 0.00002; TOPMed 0.00002.
gnomAD v4.1: 24 of 1,614,048 alleles (0.0015%); highest among the groups gnomAD compares: South Asian, 0.0055%; no homozygotes.

Submission:

Labcorp Genetics (formerly Invitae), Labcorp
Classification: Uncertain significance. Last evaluated: 2022-03-11. Review status: criteria provided, single submitter. Criteria: Invitae Variant Classification Sherloc (09022015). Collection method: clinical testing. Allele origin: germline.
Comment: This sequence change affects codon 953 of the DENND5A mRNA. It is a 'silent' change, meaning that it does not change the encoded amino acid sequence of the DENND5A protein. It affects a nucleotide within the consensus splice site. This variant is present in population databases (rs753941157, gnomAD 0.008%). This variant has not been reported in the literature in individuals affected with DENND5A-related conditions. Algorithms developed to predict the effect of sequence changes on RNA splicing suggest that this variant is not likely to affect RNA splicing. In summary, the available evidence is currently insufficient to determine the role of this variant in disease. Therefore, it has been classified as a Variant of Uncertain Significance.

NM_015213.4(DENND5A):c.2857C>T (p.Leu953=)

Gene: DENND5A (DENN domain containing 5A; minus strand). Cytogenetic location: 11p15.4.
Variant type: single nucleotide variant.
Coding change: c.2857C>T on transcript NM_015213.4 (MANE Select); coding-DNA position 2857, C replaced by T.
Protein change: p.Leu953=; no amino-acid change (leucine 953 retained).
Molecular consequence: synonymous variant. On other transcripts: non-coding transcript variant (1).
Genome position (GRCh38, 1-based): chr11:9,147,030, G>A on the plus strand (C>T on the coding strand, the complement: DENND5A is on the minus strand). VCF-style: chr11-9147030-G-A. GRCh37 (hg19) VCF-style: chr11-9168577-G-A.
Other names: c.2857C>T, p.Leu953= (NM_001243254.2, NM_001348748.1); c.2785C>T, p.Leu929= (NM_001348749.2); c.2569C>T, p.Leu857= (NM_001348750.2).
Identifiers: ClinVar variation 2070893 (VCV002070893.1), dbSNP rs753941157, ClinGen allele CA5877211.